The following is an entry in ClinVar:

ClinVar aggregate classification (germline): Uncertain significance (1 of 4 stars; one submission).

Conditions:
AFF4-related disorder. Also called: AFF4-related condition.

gnomAD v4.1: 1 of 1,613,636 alleles (0.000062%); highest among the groups gnomAD compares: African/African-American, 0.0013%; no homozygotes.

Submission:

PreventionGenetics, part of Exact Sciences
Classification: Uncertain significance for AFF4-related condition. Last evaluated: 2026-09-25. Review status: criteria provided, single submitter. Criteria: ACMG Guidelines, 2015. Collection method: clinical testing. Allele origin: germline.
Comment: The AFF4 c.86C>T variant is predicted to result in the amino acid substitution p.Pro29Leu. To our knowledge, this variant has not been reported in the literature or in a large population database (gnomAD), indicating this variant is rare. At this time, the clinical significance of this variant is uncertain due to the absence of conclusive functional and genetic evidence.

NM_014423.4(AFF4):c.86C>T (p.Pro29Leu)

Gene: AFF4 (ALF transcription elongation factor 4; minus strand). Cytogenetic location: 5q31.1.
Variant type: single nucleotide variant.
Coding change: c.86C>T on transcript NM_014423.4 (MANE Select); coding-DNA position 86, C replaced by T.
Protein change: p.Pro29Leu; replaces proline 29 with leucine.
Molecular consequence: missense variant.
Genome position (GRCh38, 1-based): chr5:132,937,104, G>A on the plus strand (C>T on the coding strand, the complement: AFF4 is on the minus strand). VCF-style: chr5-132937104-G-A. GRCh37 (hg19) VCF-style: chr5-132272796-G-A.
Other names: short protein forms P29L.
Identifiers: ClinVar variation 4988798 (VCV004988798.1).
Genomic context (GRCh38, chr5:132,937,104, plus strand): 5'-ACATTCACAGAAGGGCAACTTACAACTTTGTATGGCTCTGCAAAGAGAGGAGAGCTAGGT[G>A]GGAAGGCGTCTTCGCCCTGCTGAATTTCCTGATTCCGCCTTTCCCGTTCTTTCATACGCA-3'
Protein context (NP_055238.1, residues 19-39): QEIQQGEDAF[Pro29Leu]PSSPLFAEPY